The following is an entry in ClinVar:

NM_002755.4(MAP2K1):c.874A>G (p.Thr292Ala)

Gene: MAP2K1 (mitogen-activated protein kinase kinase 1; plus strand). Cytogenetic location: 15q22.31.
Variant type: single nucleotide variant.
Coding change: c.874A>G on transcript NM_002755.4 (MANE Select); coding-DNA position 874, A replaced by G.
Protein change: p.Thr292Ala; replaces threonine 292 with alanine.
Molecular consequence: missense variant.
Genome position (GRCh38, 1-based): chr15:66,485,170, A>G. VCF-style: chr15-66485170-A-G. GRCh37 (hg19) VCF-style: chr15-66777508-A-G.
Other names: c.730A>G, p.Thr244Ala (NM_001411065.1); short protein forms T244A, T292A.
Identifiers: ClinVar variation 4705211 (VCV004705211.1).

ClinVar aggregate classification (germline): Uncertain significance (1 of 4 stars; one submission).

Conditions:
RASopathy. Also called: rasopathies; Noonan spectrum disorder. Identifiers: Orphanet 536391, MedGen C5555857, MONDO:0021060.

gnomAD v4.1: 12 of 1,613,322 alleles (0.00074%); highest among the groups gnomAD compares: Non-Finnish European, 0.001%; no homozygotes.

Submission:

Labcorp Genetics (formerly Invitae), Labcorp
Classification: Uncertain significance for RASopathy. Last evaluated: 2025-08-15. Review status: criteria provided, single submitter. Criteria: Invitae Variant Classification Sherloc (09022015). Collection method: clinical testing. Allele origin: germline.
Comment: This sequence change replaces threonine, which is neutral and polar, with alanine, which is neutral and non-polar, at codon 292 of the MAP2K1 protein (p.Thr292Ala). This variant is present in population databases (rs769383345, gnomAD 0.0009%). This variant has not been reported in the literature in individuals affected with MAP2K1-related conditions. Invitae Evidence Modeling of protein sequence and biophysical properties (such as structural, functional, and spatial information, amino acid conservation, physicochemical variation, residue mobility, and thermodynamic stability) indicates that this missense variant is not expected to disrupt MAP2K1 protein function with a negative predictive value of 95%. Experimental studies are conflicting or provide insufficient evidence to determine the effect of this variant on MAP2K1 function (PMID: 8019005, 12876277, 23453810, 29804890). In summary, the available evidence is currently insufficient to determine the role of this variant in disease. Therefore, it has been classified as a Variant of Uncertain Significance.

Literature cited by the submitters: PubMed 8019005; PubMed 12876277; PubMed 23453810; PubMed 29804890.